The following is an entry in ClinVar:

NM_007294.4(BRCA1):c.5278-1918G>A

Gene: BRCA1 (BRCA1 DNA repair associated; minus strand). Cytogenetic location: 17q21.31.
Variant type: single nucleotide variant.
Coding change: c.5278-1918G>A on transcript NM_007294.4 (MANE Select); 1918 bases into the intron before coding-DNA position 5278, G replaced by A.
Molecular consequence: intron variant.
Genome position (GRCh38, 1-based): chr17:43,053,035, C>T on the plus strand (G>A on the coding strand, the complement: BRCA1 is on the minus strand). VCF-style: chr17-43053035-C-T. GRCh37 (hg19) VCF-style: chr17-41205052-C-T.
Other names: IVS 20-1918G>A; c.1759-1918G>A (NM_001408479.1, NM_001408478.1, NM_001408480.1); c.5065-1918G>A (NM_001407910.1, NM_001407904.1, NM_001407896.1 and 12 more transcripts); c.5068-1918G>A (NM_001407884.1, NM_001407879.1, NM_001407882.1 and 5 more transcripts); c.5266-1918G>A (NM_001407646.1); c.1840-1918G>A (NM_001408445.1, NM_001408450.1, NM_001408447.1 and 2 more transcripts); c.1843-1918G>A (NM_001408432.1, NM_001408443.1, NM_001408439.1 and 10 more transcripts); c.5149-1918G>A (NM_001407689.1, NM_001407681.1, NM_001407687.1 and 6 more transcripts); and 75 more.
Identifiers: ClinVar variation 209273 (VCV000209273.2), dbSNP rs149958317, ClinGen allele CA276245.

ClinVar aggregate classification (germline): Benign (3 of 4 stars; one submission).

Conditions:
Breast-ovarian cancer, familial, susceptibility to, 1 (BROVCA1). Also called: BRCA1 Hereditary Breast and Ovarian Cancer; OVARIAN CANCER, SUSCEPTIBILITY TO. Identifiers: Orphanet 145, MedGen C2676676, MONDO:0011450, OMIM 604370. Disease mechanism: loss of function.

Allele frequency attached by ClinVar (database versions not stated): 1000 Genomes Project 30x 0.00219; 1000 Genomes Project 0.00220; TOPMed 0.00252.
gnomAD v4.1: 367 of 152,096 alleles (0.24%); highest among the groups gnomAD compares: African/African-American, 0.85%; 2 homozygotes.

Submission:

Evidence-based Network for the Interpretation of Germline Mutant Alleles (ENIGMA)
Classification: Benign for Breast-ovarian cancer, familial 1. Last evaluated: 2015-01-12. Review status: reviewed by expert panel. Criteria: ENIGMA BRCA1/2 Classification Criteria (2015). Collection method: curation. Allele origin: germline.
Comment: Class 1 not pathogenic based on frequency >1% in an outbred sampleset. Frequency 0.01626 (African), derived from 1000 genomes (2012-04-30).